The following is an entry in ClinVar:

ClinVar aggregate classification (germline): Uncertain significance. Review status: criteria provided, multiple submitters, no conflicts (2 of 4 stars). 2 submissions from 2 submitters: Uncertain significance (2). Last evaluated 2025-08-28.

Conditions:
MSX2-related disorder. Also called: MSX2-related condition.
Cranium bifidum occultum. Also called: Enlarged Parietal Foramina; CRANIUM BIFIDUM, HEREDITARY; CATLIN MARKS. Identifiers: MedGen C1868598, HP:0004423.

Allele frequency attached by ClinVar (database versions not stated): gnomAD 0.00001; TOPMed 0.00002.
gnomAD v4.1: 1 of 1,613,904 alleles (0.000062%); highest among the groups gnomAD compares: African/African-American, 0.0013%; no homozygotes.

Submissions (2):

Labcorp Genetics (formerly Invitae), Labcorp
Classification: Uncertain significance for Cranium bifidum occultum. Last evaluated: 2025-08-28. Review status: criteria provided, single submitter. Criteria: Invitae Variant Classification Sherloc (09022015). Collection method: clinical testing. Allele origin: germline.
Comment: This sequence change replaces alanine, which is neutral and non-polar, with valine, which is neutral and non-polar, at codon 232 of the MSX2 protein (p.Ala232Val). This variant is not present in population databases (gnomAD no frequency). This variant has not been reported in the literature in individuals affected with MSX2-related conditions. ClinVar contains an entry for this variant (Variation ID: 2629178). Invitae Evidence Modeling of protein sequence and biophysical properties (such as structural, functional, and spatial information, amino acid conservation, physicochemical variation, residue mobility, and thermodynamic stability) indicates that this missense variant is not expected to disrupt MSX2 protein function with a negative predictive value of 80%. Algorithms developed to predict the effect of sequence changes on RNA splicing suggest that this variant may create or strengthen a splice site. In summary, the available evidence is currently insufficient to determine the role of this variant in disease. Therefore, it has been classified as a Variant of Uncertain Significance.

PreventionGenetics, part of Exact Sciences
Classification: Uncertain significance for MSX2-related condition. Last evaluated: 2023-08-17. Review status: criteria provided, single submitter. Criteria: ACMG Guidelines, 2015. Collection method: clinical testing. Allele origin: germline.
Comment: The MSX2 c.695C>T variant is predicted to result in the amino acid substitution p.Ala232Val. To our knowledge, this variant has not been reported in the literature or in a large population database, indicating this variant is rare. At this time, the clinical significance of this variant is uncertain due to the absence of conclusive functional and genetic evidence.

NM_002449.5(MSX2):c.695C>T (p.Ala232Val)

Gene: MSX2 (msh homeobox 2; plus strand). Cytogenetic location: 5q35.2.
Variant type: single nucleotide variant.
Coding change: c.695C>T on transcript NM_002449.5 (MANE Select); coding-DNA position 695, C replaced by T.
Protein change: p.Ala232Val; replaces alanine 232 with valine.
Molecular consequence: missense variant. On other transcripts: 3 prime UTR variant (1).
Genome position (GRCh38, 1-based): chr5:174,729,474, C>T. VCF-style: chr5-174729474-C-T. GRCh37 (hg19) VCF-style: chr5-174156477-C-T.
Other names: c.*319C>T (NM_001363626.2); short protein forms A232V.
Identifiers: ClinVar variation 2629178 (VCV002629178.2), dbSNP rs1165916964, ClinGen allele CA362230435.